The following is an entry in ClinVar:

NM_000397.4(CYBB):c.1406A>C (p.Asn469Thr)

Gene: CYBB (cytochrome b-245 beta chain; plus strand). Cytogenetic location: Xp11.4.
Variant type: single nucleotide variant.
Coding change: c.1406A>C on transcript NM_000397.4 (MANE Select); coding-DNA position 1406, A replaced by C.
Protein change: p.Asn469Thr; replaces asparagine 469 with threonine.
Molecular consequence: missense variant.
Genome position (GRCh38, 1-based): chrX:37,806,478, A>C. VCF-style: chrX-37806478-A-C. GRCh37 (hg19) VCF-style: chrX-37665731-A-C.
Other names: short protein forms N469T.
Identifiers: ClinVar variation 1353403 (VCV001353403.8), dbSNP rs1556471672, ClinGen allele CA412978186.

ClinVar aggregate classification (germline): Uncertain significance (1 of 4 stars; one submission).

Conditions:
Granulomatous disease, chronic, X-linked. Also called: GRANULOMATOUS DISEASE, CHRONIC, X-LINKED, SOMATIC MOSAIC; CYTOCHROME b-NEGATIVE GRANULOMATOUS DISEASE, CHRONIC, X-LINKED. Identifiers: Orphanet 379, MedGen C1844376, MONDO:0010600, OMIM 306400.

Submission:

Labcorp Genetics (formerly Invitae), Labcorp
Classification: Uncertain significance for Granulomatous disease, chronic, X-linked. Last evaluated: 2021-03-25. Review status: criteria provided, single submitter. Criteria: Invitae Variant Classification Sherloc (09022015). Collection method: clinical testing. Allele origin: germline.
Comment: This variant has not been reported in the literature in individuals with CYBB-related conditions. This sequence change replaces asparagine with threonine at codon 469 of the CYBB protein (p.Asn469Thr). The asparagine residue is highly conserved and there is a small physicochemical difference between asparagine and threonine. This variant is not present in population databases (ExAC no frequency). Advanced modeling of protein sequence and biophysical properties (such as structural, functional, and spatial information, amino acid conservation, physicochemical variation, residue mobility, and thermodynamic stability) performed at Invitae indicates that this missense variant is not expected to disrupt CYBB protein function. In summary, the available evidence is currently insufficient to determine the role of this variant in disease. Therefore, it has been classified as a Variant of Uncertain Significance.